The following is an entry in ClinVar:

NM_003907.3(EIF2B5):c.1590_1592delinsCC (p.Glu530fs)

Gene: EIF2B5 (eukaryotic translation initiation factor 2B subunit epsilon; plus strand). Cytogenetic location: 3q27.1.
Variant type: Indel.
Coding change: c.1590_1592delinsCC on transcript NM_003907.3 (MANE Select); coding-DNA positions 1590 to 1592, GCA replaced by CC.
Protein change: p.Glu530fs; shifts the reading frame from glutamic acid 530.
Molecular consequence: frameshift variant.
Genome position (GRCh38, 1-based): chr3:184,142,822-184,142,824, GCA replaced by CC. VCF-style: chr3-184142822-GCA-CC. GRCh37 (hg19) VCF-style: chr3-183860610-GCA-CC.
Other names: short protein forms E530fs.
Identifiers: ClinVar variation 503917 (VCV000503917.2), dbSNP rs1553807905, ClinGen allele CA658796403.

ClinVar aggregate classification (germline): Pathogenic. Review status: criteria provided, single submitter (1 of 4 stars). 2 submissions from 1 submitter: Pathogenic (1). 1 of the submissions does not count toward it. Last evaluated 2018-05-02.

Submissions (2):

GeneDx
Classification: Pathogenic. Last evaluated: 2018-05-02. Review status: criteria provided, single submitter. Criteria: GeneDx Variant Classification (06012015). Collection method: clinical testing. Allele origin: germline. Affected: yes.
Comment: The c.1590_1592delGCAinsCC variant in the EIF2B5 gene has not been reported previously as a pathogenic variant nor as a benign variant, to our knowledge. The c.1590_1592delGCAinsCC variant causes a frameshift starting with codon Glutamic acid 530, changes this amino acid to an Aspartic acid residue, and creates a premature Stop codon at position 29 of the new reading frame, denoted p.Glu530AspfsX29. This variant is predicted to cause loss of normal protein function either through protein truncation or nonsense-mediated mRNA decay. The c.1590_1592delGCAinsCC variant is not observed in large population cohorts (Lek et al., 2016). We interpret c.1590_1592delGCAinsCC as a pathogenic variant.

GeneDx
Classification: Pathogenic. Last evaluated: 2017-12-04. Review status: flagged submission. Criteria: GeneDx Variant Classification (06012015). Collection method: clinical testing. Allele origin: germline. Affected: yes. Not counted in ClinVar's aggregate classification.
Comment: The c.1590_1594delGCAAAinsCCAA variant in the EIF2B5 gene has not been reported previously as a pathogenic variant nor as a benign variant, to our knowledge. The c.1590_1594delGCAAAinsCCAA variant causes a frameshift starting with codon Glutamic acid 530, changes this amino acid to an Aspartic acid residue, and creates a premature Stop codon at position 29 of the new reading frame, denoted p.Glu530AspfsX29. This variant is predicted to cause loss of normal protein function either through protein truncation or nonsense-mediated mRNA decay. The c.1590_1594delGCAAAinsCCAA variant is not observed in large population cohorts (Lek et al., 2016). We interpret c.1590_1594delGCAAAinsCCAA as a pathogenic variant.
ClinVar note: Reason: This record appears to be redundant with a more recent record from the same submitter.
ClinVar note: Notes: SCV000710218 appears to be redundant with SCV000748662.